The following is an entry in ClinVar:

NM_182961.4(SYNE1):c.12171G>A (p.Pro4057=)

Gene: SYNE1 (spectrin repeat containing nuclear envelope protein 1; minus strand). Cytogenetic location: 6q25.2.
Variant type: single nucleotide variant.
Coding change: c.12171G>A on transcript NM_182961.4 (MANE Select); coding-DNA position 12171, G replaced by A.
Protein change: p.Pro4057=; no amino-acid change (proline 4057 retained).
Molecular consequence: synonymous variant.
Genome position (GRCh38, 1-based): chr6:152,344,135, C>T on the plus strand (G>A on the coding strand, the complement: SYNE1 is on the minus strand). VCF-style: chr6-152344135-C-T. GRCh37 (hg19) VCF-style: chr6-152665270-C-T.
Other names: c.11958G>A, p.Pro3986= (NM_033071.5).
Identifiers: ClinVar variation 511990 (VCV000511990.8), dbSNP rs112128801, ClinGen allele CA4056488.

ClinVar aggregate classification (germline): Likely benign. Review status: criteria provided, multiple submitters, no conflicts (2 of 4 stars). 2 submissions from 2 submitters: Likely benign (2). Last evaluated 2022-11-07.

Conditions:
Emery-Dreifuss muscular dystrophy 4, autosomal dominant (EDMD4). Also called: EMERY-DREIFUSS MUSCULAR DYSTROPHY 4 WITH VARIABLE FEATURES. Identifiers: Orphanet 261, MedGen C2751807, MONDO:0013071, OMIM 612998.
Autosomal recessive ataxia, Beauce type. Also called: SYNE1 Deficiency; Spinocerebellar ataxia, autosomal recessive 8; ATAXIA, RECESSIVE, OF BEAUCE; SYNE1-Related Autosomal Recessive Cerebellar Ataxia. Identifiers: Orphanet 88644, MedGen C1853116, MONDO:0012549, OMIM 610743.

Allele frequency attached by ClinVar (database versions not stated): ExAC 0.00001; gnomAD 0.00001; TOPMed 0.00001; gnomAD exomes 0.00003.
gnomAD v4.1: 25 of 1,614,068 alleles (0.0015%); highest among the groups gnomAD compares: Middle Eastern, 0.033%; 1 homozygote.

Submissions (2):

Labcorp Genetics (formerly Invitae), Labcorp
Classification: Likely benign for Emery-Dreifuss muscular dystrophy 4, autosomal dominant; Autosomal recessive ataxia, Beauce type. Last evaluated: 2022-11-07. Review status: criteria provided, single submitter. Criteria: Invitae Variant Classification Sherloc (09022015). Collection method: clinical testing. Allele origin: germline.

GeneDx
Classification: Likely benign. Last evaluated: 2017-09-08. Review status: criteria provided, single submitter. Criteria: GeneDx Variant Classification (06012015). Collection method: clinical testing. Allele origin: germline. Affected: yes.
Comment: This variant is considered likely benign or benign based on one or more of the following criteria: it is a conservative change, it occurs at a poorly conserved position in the protein, it is predicted to be benign by multiple in silico algorithms, and/or has population frequency not consistent with disease.